The following is an entry in ClinVar:

ClinVar aggregate classification (germline): Likely benign (0 of 4 stars; one submission).

Conditions:
ZC3H4-related disorder. Also called: ZC3H4-related condition.

Allele frequency attached by ClinVar (database versions not stated): gnomAD 0.00003; gnomAD exomes 0.00005; TOPMed 0.00009; ExAC 0.00024.
gnomAD v4.1: 78 of 1,593,364 alleles (0.0049%); highest among the groups gnomAD compares: Admixed American, 0.13%; no homozygotes.

Submission:

PreventionGenetics, part of Exact Sciences
Classification: Likely benign for ZC3H4-related condition. Last evaluated: 2023-04-11. Review status: no assertion criteria provided. Collection method: clinical testing. Allele origin: germline.
Comment: This variant is classified as likely benign based on ACMG/AMP sequence variant interpretation guidelines (Richards et al. 2015 PMID: 25741868, with internal and published modifications).

NM_015168.2(ZC3H4):c.3307C>T (p.Pro1103Ser)

Gene: ZC3H4 (zinc finger CCCH-type containing 4; minus strand). Cytogenetic location: 19q13.32.
Variant type: single nucleotide variant.
Coding change: c.3307C>T on transcript NM_015168.2 (MANE Select); coding-DNA position 3307, C replaced by T.
Protein change: p.Pro1103Ser; replaces proline 1103 with serine.
Molecular consequence: missense variant.
Genome position (GRCh38, 1-based): chr19:47,066,961, G>A on the plus strand (C>T on the coding strand, the complement: ZC3H4 is on the minus strand). VCF-style: chr19-47066961-G-A. GRCh37 (hg19) VCF-style: chr19-47570218-G-A.
Other names: short protein forms P1103S.
Identifiers: ClinVar variation 3049196 (VCV003049196.2), dbSNP rs757124661, ClinGen allele CA9534638.
Genomic context (GRCh38, chr19:47,066,961, plus strand): 5'-GGTCGTAGGGAGCGGTGGCTGGTGGGGAGGCATCCCCACTCGGGCTGGCGGTGGGAGAGG[G>A]CGCCTCAGCAGGGCCGGGCTTGGCAGCCCGGGAGGAGGCCGTAGAGTCTGTGGGTTTCTG-3'
Protein context (NP_055983.1, residues 1093-1113): RAAKPGPAEA[Pro1103Ser]SPTASPSGDA